The following is an entry in ClinVar:

ClinVar aggregate classification (germline): Likely benign. Review status: criteria provided, multiple submitters, no conflicts (2 of 4 stars). 2 submissions from 2 submitters: Likely benign (2). Last evaluated 2025-02-25.

Conditions:
Multiple endocrine neoplasia, type 2 (MEN2). Identifiers: Orphanet 653, MedGen C4048306, MONDO:0019003. Disease mechanism: gain of function.
Multiple endocrine neoplasia type 2A. Also called: Multiple Endocrine Neoplasia Type 2A (MEN2A); MULTIPLE ENDOCRINE NEOPLASIA, TYPE IIA; PTC SYNDROME; SIPPLE SYNDROME; MEN 2A; MEN-2A syndrome. Identifiers: Orphanet 247698, Orphanet 653, MedGen C0025268, MeSH D018813, MONDO:0008234, OMIM 171400.

Submissions (2):

Myriad Genetics, Inc.
Classification: Likely benign for Multiple endocrine neoplasia type 2A. Last evaluated: 2025-02-25. Review status: criteria provided, single submitter. Criteria: Myriad Autosomal Dominant, Autosomal Recessive and X-Linked Classification Criteria (2023). Collection method: clinical testing. Allele origin: unknown.
Comment: This variant is considered likely benign. This variant is intronic and is not expected to impact mRNA splicing.

Labcorp Genetics (formerly Invitae), Labcorp
Classification: Likely benign for Multiple endocrine neoplasia, type 2. Last evaluated: 2020-03-08. Review status: criteria provided, single submitter. Criteria: Invitae Variant Classification Sherloc (09022015). Collection method: clinical testing. Allele origin: germline.

NM_020975.6(RET):c.1648+7C>T

Gene: RET (ret proto-oncogene; plus strand). Cytogenetic location: 10q11.21.
Variant type: single nucleotide variant.
Coding change: c.1648+7C>T on transcript NM_020975.6 (MANE Select); 7 bases into the intron after coding-DNA position 1648, C replaced by T.
Molecular consequence: intron variant.
Genome position (GRCh38, 1-based): chr10:43,112,231, C>T. VCF-style: chr10-43112231-C-T. GRCh37 (hg19) VCF-style: chr10-43607679-C-T.
Other names: c.1648+7C>T (NM_020630.7, NM_001406743.1, NM_001406744.1 and 4 more transcripts); c.1252+7C>T (NM_001406772.1, NM_001406769.1); c.1210+7C>T (NM_001406773.1, NM_001406771.1); c.751+7C>T (NM_001406782.1, NM_001406780.1, NM_001406779.1 and 3 more transcripts); c.1519+7C>T (NM_001406764.1, NM_001406762.1, NM_001406761.1 and 1 more transcripts); c.1123+7C>T (NM_001406774.1); c.622+7C>T (NM_001406786.1, NM_001406783.1); c.1360+7C>T (NM_001406770.1, NM_001406766.1, NM_001406767.1); and 5 more.
Identifiers: ClinVar variation 1135635 (VCV001135635.11), dbSNP rs1588872274, ClinGen allele CA2499220233.